The following is an entry in ClinVar:

ClinVar aggregate classification (germline): Benign/Likely benign. Review status: criteria provided, multiple submitters, no conflicts (2 of 4 stars). 4 submissions from 4 submitters: Benign (1); Likely benign (2). 1 of the submissions does not count toward it. Last evaluated 2024-12-17.

Conditions:
BARD1-related disorder. Also called: BARD1-related condition.
Familial cancer of breast. Also called: BREAST CANCER, FAMILIAL; hereditary breast carcinoma; Hereditary breast cancer. Identifiers: Orphanet 227535, MedGen C0346153, MONDO:0016419, OMIM 114480. Disease mechanism: loss of function.
Hereditary cancer-predisposing syndrome. Also called: Tumor predisposition; Neoplastic Syndromes, Hereditary; Hereditary Cancer Syndrome; Hereditary neoplastic syndrome. Identifiers: Orphanet 140162, MedGen C0027672, MeSH D009386, MONDO:0015356.

Allele frequency attached by ClinVar (database versions not stated): gnomAD exomes below 0.00001; TOPMed 0.00001.
gnomAD v4.1: 1 of 1,602,844 alleles (0.000062%); highest among the groups gnomAD compares: African/African-American, 0.0013%; no homozygotes.

Submissions (4):

Labcorp Genetics (formerly Invitae), Labcorp
Classification: Likely benign for Familial cancer of breast. Last evaluated: 2024-12-17. Review status: criteria provided, single submitter. Criteria: Invitae Variant Classification Sherloc (09022015). Collection method: clinical testing. Allele origin: germline.

Myriad Genetics, Inc.
Classification: Benign for Familial cancer of breast. Last evaluated: 2024-07-22. Review status: criteria provided, single submitter. Criteria: Myriad Autosomal Dominant, Autosomal Recessive and X-Linked Classification Criteria (2023). Collection method: clinical testing. Allele origin: unknown.
Comment: This variant is considered benign. This variant is a silent/synonymous amino acid change and it is not expected to impact splicing.

Ambry Genetics
Classification: Likely benign for Hereditary cancer-predisposing syndrome. Last evaluated: 2022-07-25. Review status: criteria provided, single submitter. Criteria: Ambry Variant Classification Scheme 2023. Collection method: clinical testing. Allele origin: germline.

PreventionGenetics, part of Exact Sciences
Classification: Likely benign for BARD1-related condition. Last evaluated: 2024-05-02. Review status: no assertion criteria provided. Collection method: clinical testing. Allele origin: germline. Not counted in ClinVar's aggregate classification.
Comment: This variant is classified as likely benign based on ACMG/AMP sequence variant interpretation guidelines (Richards et al. 2015 PMID: 25741868, with internal and published modifications).

NM_000465.4(BARD1):c.591G>A (p.Lys197=)

Gene: BARD1 (BRCA1 associated RING domain 1; minus strand). Cytogenetic location: 2q35.
Variant type: single nucleotide variant.
Coding change: c.591G>A on transcript NM_000465.4 (MANE Select); coding-DNA position 591, G replaced by A.
Protein change: p.Lys197=; no amino-acid change (lysine 197 retained).
Molecular consequence: synonymous variant. On other transcripts: non-coding transcript variant (2), intron variant (3).
Genome position (GRCh38, 1-based): chr2:214,781,283, C>T on the plus strand (G>A on the coding strand, the complement: BARD1 is on the minus strand). VCF-style: chr2-214781283-C-T. GRCh37 (hg19) VCF-style: chr2-215646007-C-T.
Other names: c.534G>A, p.Lys178= (NM_001282543.2); c.158+28129G>A (NM_001282548.2); c.215+15778G>A (NM_001282545.2); c.364+11014G>A (NM_001282549.2); c.591G>A (NM_000465.3).
Identifiers: ClinVar variation 1583339 (VCV001583339.13), dbSNP rs1695014095, ClinGen allele CA431391812.